The following is an entry in ClinVar:

ClinVar aggregate classification (germline): Pathogenic (1 of 4 stars; one submission).

Conditions:
Autosomal recessive polycystic kidney disease (ARPKD). Also called: AR polycystic kidney disease. Identifiers: Orphanet 731, Orphanet 8378, MedGen C0085548, MeSH D017044, MONDO:0009889.

Submission:

Labcorp Genetics (formerly Invitae), Labcorp
Classification: Pathogenic for Autosomal recessive polycystic kidney disease. Last evaluated: 2020-08-25. Review status: criteria provided, single submitter. Criteria: Invitae Variant Classification Sherloc (09022015). Collection method: clinical testing. Allele origin: germline.
Comment: This sequence change creates a premature translational stop signal (p.Leu889Phefs*71) in the PKHD1 gene. It is expected to result in an absent or disrupted protein product. For these reasons, this variant has been classified as Pathogenic. Loss-of-function variants in PKHD1 are known to be pathogenic (PMID: 19940839). This variant has not been reported in the literature in individuals with PKHD1-related conditions. This variant is not present in population databases (ExAC no frequency).

Literature cited by the submitters: PubMed 19940839.

NM_138694.4(PKHD1):c.2664_2665insTTTTTTTTTTTTTTTTTTTTNNNNNNNNNNGTTGCAGTGAGCCGAGATGGCAGCAGTACAGTCCAGCTTCGGCTCCGCATGAGAGGGAGACCGTGGGGAGAGGGAGACAGAGGGAGAGGGAGAGGGAGCATGATGGTGGAGTTTTT (p.Leu889fs)

Gene: PKHD1 (PKHD1 ciliary IPT domain containing fibrocystin/polyductin; minus strand). Cytogenetic location: 6p12.2.
Variant type: Microsatellite.
Coding change: c.2664_2665insTTTTTTTTTTTTTTTTTTTTNNNNNNNNNNGTTGCAGTGAGCCGAGATGGCAGCAGTACAGTCCAGCTTCGGCTCCGCATGAGAGGGAGACCGTGGGGAGAGGGAGACAGAGGGAGAGGGAGAGGGAGCATGATGGTGGAGTTTTT on transcript NM_138694.4 (MANE Select); coding-DNA positions 2664 to 2665, TTTTTTTTTTTTTTTTTTTTNNNNNNNNNNGTTGCAGTGAGCCGAGATGGCAGCAGTACAGTCCAGCTTCGGCTCCGCATGAGAGGGAGACCGTGGGGAGAGGGAGACAGAGGGAGAGGGAGAGGGAGCATGATGGTGGAGTTTTT inserted.
Protein change: p.Leu889fs; shifts the reading frame from leucine 889.
Molecular consequence: frameshift variant.
Genome position: GRCh38: chr6:52,045,017-52,045,033. GRCh37 (hg19): chr6:51,909,815-51,909,831.
Other names: c.2664_2665insTTTTTTTTTTTTTTTTTTTTNNNNNNNNNNGTTGCAGTGAGCCGAGATGGCAGCAGTACAGTCCAGCTTCGGCTCCGCATGAGAGGGAGACCGTGGGGAGAGGGAGACAGAGGGAGAGGGAGAGGGAGCATGATGGTGGAGTTTTT, p.Leu889fs (NM_170724.3); short protein forms L889fs.
Identifiers: ClinVar variation 1071341 (VCV001071341.7).